The following is an entry in ClinVar:

ClinVar aggregate classification (germline): Likely pathogenic (1 of 4 stars; one submission).

Conditions:
Ethylmalonic encephalopathy (EE). Also called: EPEMA syndrome; Encephalopathy, petechiae, and ethylmalonic aciduria; Syndrome of encephalopathy, petechiae, and ethylmalonic aciduria. Identifiers: Orphanet 51188, MedGen C1865349, MONDO:0011229, OMIM 602473. Disease mechanism: loss of function.

Submission:

Labcorp Genetics (formerly Invitae), Labcorp
Classification: Likely pathogenic for Ethylmalonic encephalopathy. Last evaluated: 2018-01-13. Review status: criteria provided, single submitter. Criteria: Invitae Variant Classification Sherloc (09022015). Collection method: clinical testing. Allele origin: germline.
Comment: In summary, the currently available evidence indicates that the variant is pathogenic, but additional data are needed to prove that conclusively. Therefore, this variant has been classified as Likely Pathogenic. Donor and acceptor splice site variants typically lead to a loss of protein function (PMID: 16199547), and loss-of-function variants in ETHE1 are known to be pathogenic (PMID: 14732903, 19136963). Algorithms developed to predict the effect of sequence changes on RNA splicing suggest that this variant may disrupt the consensus splice site, but this prediction has not been confirmed by published transcriptional studies. This variant has not been reported in the literature in individuals with ETHE1-related disease. This variant is not present in population databases (ExAC no frequency). This sequence change affects a donor splice site in intron 2 of the ETHE1 gene. It is expected to disrupt RNA splicing and likely results in an absent or disrupted protein product.

Literature cited by the submitters: PubMed 16199547; PubMed 14732903; PubMed 19136963.

NM_014297.5(ETHE1):c.226+1G>T

Gene: ETHE1 (ETHE1 persulfide dioxygenase; minus strand). Cytogenetic location: 19q13.31.
Variant type: single nucleotide variant.
Coding change: c.226+1G>T on transcript NM_014297.5 (MANE Select); the canonical splice donor site of the intron after coding-DNA position 226, G replaced by T.
Molecular consequence: splice donor variant. On other transcripts: intron variant (1).
Genome position (GRCh38, 1-based): chr19:43,526,514, C>A on the plus strand (G>T on the coding strand, the complement: ETHE1 is on the minus strand). VCF-style: chr19-43526514-C-A. GRCh37 (hg19) VCF-style: chr19-44030666-C-A.
Other names: c.81+583G>T (NM_001320869.2); c.6+1G>T (NM_001320868.2); c.226+1G>T (NM_001320867.2).
Identifiers: ClinVar variation 536364 (VCV000536364.7), dbSNP rs1555765524, ClinGen allele CA406180535.
Genomic context (GRCh38, chr19:43,526,514, plus strand): 5'-CATTCCACTGACGCTGCAGCCCAGCCCCGCTGGGATCCATGAGTTTGGTCCCCGGACTGA[C>A]CAGCATAGAGCAGCCGCAGCCCCAGCTCCTTGATCAGCTGGGCATCCCGAGGCGCTGTTT-3'